The following is an entry in ClinVar:

ClinVar aggregate classification (germline): Pathogenic (1 of 4 stars; one submission).

Conditions:
Hereditary cancer-predisposing syndrome. Also called: Neoplastic Syndromes, Hereditary; Hereditary Cancer Syndrome; Hereditary neoplastic syndrome; Tumor predisposition. Identifiers: Orphanet 140162, MedGen C0027672, MeSH D009386, MONDO:0015356.

Submission:

Ambry Genetics
Classification: Pathogenic for Hereditary cancer-predisposing syndrome. Last evaluated: 2023-05-02. Review status: criteria provided, single submitter. Criteria: Ambry Variant Classification Scheme 2023. Collection method: clinical testing. Allele origin: germline.
Comment: The c.7211_7212delAAinsGGTT pathogenic mutation, located in coding exon 13 of the BRCA2 gene, results from the deletion of two nucleotides and insertion of 4 nucleotides causing a translational frameshift with a predicted alternate stop codon (p.K2404Rfs*66). This variant is considered to be rare based on population cohorts in the Genome Aggregation Database (gnomAD). This alteration is expected to result in loss of function by premature protein truncation or nonsense-mediated mRNA decay. As such, this alteration is interpreted as a disease-causing mutation.

NM_000059.4(BRCA2):c.7211_7212delinsGGTT (p.Lys2404fs)

Gene: BRCA2 (BRCA2 DNA repair associated; plus strand). Cytogenetic location: 13q13.1.
Variant type: Indel.
Coding change: c.7211_7212delinsGGTT on transcript NM_000059.4 (MANE Select); coding-DNA positions 7211 to 7212, AA replaced by GGTT.
Protein change: p.Lys2404fs; shifts the reading frame from lysine 2404.
Molecular consequence: frameshift variant. On other transcripts: non-coding transcript variant (1).
Genome position (GRCh38, 1-based): chr13:32,355,064-32,355,065, AA replaced by GGTT. VCF-style: chr13-32355064-AA-GGTT. GRCh37 (hg19) VCF-style: chr13-32929201-AA-GGTT.
Other names: c.7115_7116delinsGGTT, p.Lys2372fs (NM_001406719.1); c.7211_7212delinsGGTT, p.Lys2404fs (NM_001406720.1); c.2279_2280delinsGGTT, p.Lys760fs (NM_001406721.1); c.794_795delinsGGTT, p.Lys265fs (NM_001406722.1); short protein forms K2372fs, K265fs, K2404fs, K760fs.
Identifiers: ClinVar variation 2566014 (VCV002566014.2), dbSNP rs2548540275, ClinGen allele CA2580614672.